The following is an entry in ClinVar:

NM_004183.4(BEST1):c.652C>G (p.Arg218Gly)

Gene: BEST1 (bestrophin 1; plus strand). Cytogenetic location: 11q12.3.
Variant type: single nucleotide variant.
Coding change: c.652C>G on transcript NM_004183.4 (MANE Select); coding-DNA position 652, C replaced by G.
Protein change: p.Arg218Gly; replaces arginine 218 with glycine.
Molecular consequence: missense variant. On other transcripts: non-coding transcript variant (1).
Genome position (GRCh38, 1-based): chr11:61,957,402, C>G. VCF-style: chr11-61957402-C-G. GRCh37 (hg19) VCF-style: chr11-61724874-C-G.
Other names: c.472C>G, p.Arg158Gly (NM_001139443.3, NM_001300786.2, NM_001300787.2); c.334C>G, p.Arg112Gly (NM_001363591.3); c.652C>G, p.Arg218Gly (NM_001363592.2); c.-524C>G (NM_001363593.3); short protein forms R112G, R158G, R218G.
Identifiers: ClinVar variation 1070185 (VCV001070185.9), dbSNP rs281865238, ClinGen allele CA380838395.

ClinVar aggregate classification (germline): Pathogenic (1 of 4 stars; one submission).

Submission:

Labcorp Genetics (formerly Invitae), Labcorp
Classification: Pathogenic. Last evaluated: 2020-07-29. Review status: criteria provided, single submitter. Criteria: Invitae Variant Classification Sherloc (09022015). Collection method: clinical testing. Allele origin: germline.
Comment: For these reasons, this variant has been classified as Pathogenic. This variant disrupts the p.Arg218 amino acid residue in BEST1. Other variant(s) that disrupt this residue have been determined to be pathogenic (PMID: 28687848, 29781975). This suggests that this residue is clinically significant, and that variants that disrupt this residue are likely to be disease-causing. Advanced modeling of protein sequence and biophysical properties (such as structural, functional, and spatial information, amino acid conservation, physicochemical variation, residue mobility, and thermodynamic stability) performed at Invitae indicates that this missense variant is expected to disrupt BEST1 protein function. This variant has been observed in individual(s) with autosomal dominant Best vitelliform macular dystrophy (PMID: 23213274, 17646752). It has also been observed to segregate with disease in related individuals. This variant is not present in population databases (ExAC no frequency). This sequence change replaces arginine with glycine at codon 218 of the BEST1 protein (p.Arg218Gly). The arginine residue is highly conserved and there is a moderate physicochemical difference between arginine and glycine.

Literature cited by the submitters: PubMed 28687848; PubMed 29781975; PubMed 23213274; PubMed 17646752.